The following is an entry in ClinVar:

ClinVar aggregate classification (germline): Uncertain significance (1 of 4 stars; one submission).

Conditions:
Primary ciliary dyskinesia. Also called: Ciliary dyskinesia. Identifiers: Orphanet 244, MedGen C0008780, MONDO:0016575, HP:0012265.

Allele frequency attached by ClinVar (database versions not stated): gnomAD exomes below 0.00001; gnomAD 0.00001; TOPMed 0.00001.
gnomAD v4.1: 8 of 1,613,392 alleles (0.0005%); highest among the groups gnomAD compares: African/African-American, 0.0027%; no homozygotes.

Submission:

Labcorp Genetics (formerly Invitae), Labcorp
Classification: Uncertain significance for Primary ciliary dyskinesia. Last evaluated: 2022-06-20. Review status: criteria provided, single submitter. Criteria: Invitae Variant Classification Sherloc (09022015). Collection method: clinical testing. Allele origin: germline.
Comment: This sequence change replaces cysteine, which is neutral and slightly polar, with serine, which is neutral and polar, at codon 241 of the DNAH8 protein (p.Cys241Ser). This variant is present in population databases (no rsID available, gnomAD 0.0009%). This variant has not been reported in the literature in individuals affected with DNAH8-related conditions. ClinVar contains an entry for this variant (Variation ID: 1036664). Algorithms developed to predict the effect of missense changes on protein structure and function are either unavailable or do not agree on the potential impact of this missense change (SIFT: "Deleterious"; PolyPhen-2: "Not Available"; Align-GVGD: "Class C0"). In summary, the available evidence is currently insufficient to determine the role of this variant in disease. Therefore, it has been classified as a Variant of Uncertain Significance.

NM_001206927.2(DNAH8):c.722G>C (p.Cys241Ser)

Gene: DNAH8 (dynein axonemal heavy chain 8; plus strand). Cytogenetic location: 6p21.2.
Variant type: single nucleotide variant.
Coding change: c.722G>C on transcript NM_001206927.2 (MANE Select); coding-DNA position 722, G replaced by C.
Protein change: p.Cys241Ser; replaces cysteine 241 with serine.
Molecular consequence: missense variant.
Genome position (GRCh38, 1-based): chr6:38,734,585, G>C. VCF-style: chr6-38734585-G-C. GRCh37 (hg19) VCF-style: chr6-38702361-G-C.
Other names: c.71G>C, p.Cys24Ser (NM_001371.4); short protein forms C241S, C24S.
Identifiers: ClinVar variation 1036664 (VCV001036664.6), dbSNP rs1007614402, ClinGen allele CA137573189.